The following is an entry in ClinVar:

ClinVar aggregate classification (germline): Conflicting classifications of pathogenicity. Review status: criteria provided, conflicting classifications (1 of 4 stars). 5 submissions from 5 submitters: Uncertain significance (4); Likely benign (1). Last evaluated 2026-04-12.

Conditions:
IFT172-related disorder. Also called: IFT172-related condition; IFT172-related disorders.
Retinitis pigmentosa 71 (RP71). Identifiers: Orphanet 791, MedGen C4225342, MONDO:0014618, OMIM 616394.
Short-rib thoracic dysplasia 10 with or without polydactyly (SRTD10). Identifiers: Orphanet 474, MedGen C3810175, MONDO:0014284, OMIM 615630.
Bardet-Biedl syndrome 20. Identifiers: MedGen C4310707, MONDO:0023670, OMIM 619471, MONDO:0014926.

Allele frequency attached by ClinVar (database versions not stated): gnomAD exomes 0.00001 and 0.00005; ExAC 0.00004; gnomAD 0.00013 and 0.00014; ESP Exome Variant Server 0.00015; TOPMed 0.00015.
gnomAD v4.1: 34 of 1,611,648 alleles (0.0021%); highest among the groups gnomAD compares: African/African-American, 0.033%; no homozygotes.

Submissions (5):

PreventionGenetics, part of Exact Sciences
Classification: Uncertain significance for IFT172-related condition. Last evaluated: 2026-04-12. Review status: criteria provided, single submitter. Criteria: ACMG Guidelines, 2015. Collection method: clinical testing. Allele origin: germline.
Comment: The IFT172 c.590C>T variant is predicted to result in the amino acid substitution p.Pro197Leu. To our knowledge, this variant has not been reported in the literature. This variant is reported in 0.052% of alleles in individuals of African descent in gnomAD, which may be too common to be an undocumented pathogenic variant. Although we suspect that this variant may be benign, at this time, the clinical significance of this variant is uncertain due to the absence of conclusive functional and genetic evidence.

Labcorp Genetics (formerly Invitae), Labcorp
Classification: Likely benign for Retinitis pigmentosa 71; Short-rib thoracic dysplasia 10 with or without polydactyly. Last evaluated: 2025-07-27. Review status: criteria provided, single submitter. Criteria: Invitae Variant Classification Sherloc (09022015). Collection method: clinical testing. Allele origin: germline.

Fulgent Genetics
Classification: Uncertain significance for Short-rib thoracic dysplasia 10 with or without polydactyly; Retinitis pigmentosa 71; Bardet-Biedl syndrome 20. Last evaluated: 2024-05-17. Review status: criteria provided, single submitter. Criteria: ACMG Guidelines, 2015. Collection method: clinical testing. Allele origin: germline.

GeneDx
Classification: Uncertain significance. Last evaluated: 2023-12-06. Review status: criteria provided, single submitter. Criteria: GeneDx Variant Classification Process June 2021. Collection method: clinical testing. Allele origin: germline. Affected: yes.
Comment: In silico analysis supports that this missense variant has a deleterious effect on protein structure/function; Has not been previously published as pathogenic or benign to our knowledge

Genetic Services Laboratory, University of Chicago
Classification: Uncertain significance. Last evaluated: 2023-03-01. Review status: criteria provided, single submitter. Criteria: ACMG Guidelines, 2015. Collection method: clinical testing. Allele origin: germline. Affected: no.
Comment: DNA sequence analysis of the IFT172 gene demonstrated a sequence change, c.590C>T, in exon 8 that results in an amino acid change, p.Pro197Leu. This sequence change has been described in the gnomAD database with a frequency of 0.052% in the African/African American subpopulation (dbSNP rs368373262). The p.Pro197Leu change affects a moderately conserved amino acid residue located in a domain of the IFT172 protein that is known to be functional. In-silico pathogenicity prediction tools (SIFT, PolyPhen2, Align GVGD, REVEL) provide contradictory results for the p.Pro197Leu substitution. This sequence change does not appear to have been previously described in individuals with IFT172-related disorders. Due to insufficient evidence and the lack of functional studies, the clinical significance of the p.Pro197Leu change remains unknown at this time.

NM_015662.3(IFT172):c.590C>T (p.Pro197Leu)

Gene: IFT172 (intraflagellar transport 172; minus strand). Cytogenetic location: 2p23.3.
Variant type: single nucleotide variant.
Coding change: c.590C>T on transcript NM_015662.3 (MANE Select); coding-DNA position 590, C replaced by T.
Protein change: p.Pro197Leu; replaces proline 197 with leucine.
Molecular consequence: missense variant.
Genome position (GRCh38, 1-based): chr2:27,481,241, G>A on the plus strand (C>T on the coding strand, the complement: IFT172 is on the minus strand). VCF-style: chr2-27481241-G-A. GRCh37 (hg19) VCF-style: chr2-27704108-G-A.
Other names: short protein forms P197L.
Identifiers: ClinVar variation 861993 (VCV000861993.17), dbSNP rs368373262, ClinGen allele CA1580912.